The following is an entry in ClinVar:

ClinVar aggregate classification (germline): Likely pathogenic (1 of 4 stars; one submission).

Conditions:
Nephrotic syndrome, IIa 26. Also called: Nephrotic syndrome, type 26. Identifiers: MedGen C5774221, MONDO:0031061, OMIM 620049.
Bent bone dysplasia syndrome 2 (BBDS2). Identifiers: MedGen C5774233, MONDO:0859573, OMIM 620076.

Submission:

Juno Genomics, Hangzhou Juno Genomics, Inc
Classification: Likely pathogenic for Bent bone dysplasia syndrome 2; Nephrotic syndrome, IIa 26. Review status: criteria provided, single submitter. Criteria: ACMG Guidelines, 2015. Collection method: clinical testing. Allele origin: germline.
Comment: Absent from controls (or at extremely low frequency if recessive) in Genome Aggregation Database.;Null variant in a gene where loss of function (LOF) is a known mechanism of disease.

NM_005560.6(LAMA5):c.6578_6582dup (p.Ile2195fs)

Gene: LAMA5 (laminin subunit alpha 5; minus strand). Cytogenetic location: 20q13.33.
Variant type: Duplication.
Coding change: c.6578_6582dup on transcript NM_005560.6 (MANE Select); coding-DNA positions 6578 to 6582, 5 bases duplicated (GTGGC; older notation c.6578_6582dupGTGGC).
Protein change: p.Ile2195fs; shifts the reading frame from isoleucine 2195.
Molecular consequence: frameshift variant.
Genome position (GRCh38, 1-based): chr20:62,320,805-62,320,809, GCCAC duplicated on the plus strand (GTGGC on the coding strand, the reverse complement: LAMA5 is on the minus strand); duplicating any 5 consecutive bases within chr20:62,320,805-62,320,811 gives the same sequence; the c. name uses the placement nearest the transcript's 3' end. VCF-style (leftmost placement, unchanged base first): chr20-62320804-T-TGCCAC. GRCh37 (hg19) VCF-style: chr20-60895860-T-TGCCAC.
Other names: short protein forms I2195fs.
Identifiers: ClinVar variation 5019632 (VCV005019632.2).
Genomic context (GRCh38, chr20:62,320,804, plus strand): 5'-GGTCAGCGATGGAGGCGTTCAGCCTGTGCAGACGGGCCCAGGCCATGGAGCTGGCATTGA[T>TGCCAC]GCCACGCAGTTGCTCGTGAATGGCGGGGAGGAGGGCGCCGGCCCGTTCCAGGTCATCCAG-3'